The following is an entry in ClinVar:

NM_015346.4(ZFYVE26):c.1879_1880del (p.Glu627fs)

Gene: ZFYVE26 (zinc finger FYVE-type containing 26; minus strand). Cytogenetic location: 14q24.1.
Variant type: Deletion.
Coding change: c.1879_1880del on transcript NM_015346.4 (MANE Select); coding-DNA positions 1879 to 1880, 2 bases deleted (GA; older notation c.1879_1880delGA).
Protein change: p.Glu627fs; shifts the reading frame from glutamic acid 627.
Molecular consequence: frameshift variant.
Genome position (GRCh38, 1-based): chr14:67,798,382-67,798,383, TC deleted on the plus strand (GA on the coding strand, the reverse complement: ZFYVE26 is on the minus strand). VCF-style (leftmost placement, unchanged base first): chr14-67798381-TTC-T. GRCh37 (hg19) VCF-style: chr14-68265098-TTC-T.
Other names: short protein forms E627fs.
Identifiers: ClinVar variation 1725308 (VCV001725308.2), dbSNP rs2502857481, ClinGen allele CA2580088629.
Genomic context (GRCh38, chr14:67,798,381, plus strand): 5'-GCTTGGCATTGTATAAGCAAGGGTCTTTGGGACTCCCAGGGAACCCCGTTCTGACTTCCT[TTC>T]AGGATGTGCTATGTGCTGAGGGCTCTCTGATGGGGACCTCAAACCTGAGGGGCTCTTCCC-3'

ClinVar aggregate classification (germline): Likely pathogenic (1 of 4 stars; one submission).

Conditions:
Hereditary spastic paraplegia 15 (SPG15). Also called: SPASTIC PARAPLEGIA 15, AUTOSOMAL RECESSIVE; KJELLIN SYNDROME; SPASTIC PARAPLEGIA AND RETINAL DEGENERATION. Identifiers: Orphanet 100996, MedGen C1849128, MONDO:0010044, OMIM 270700.

Submission:

Myriad Genetics, Inc.
Classification: Likely pathogenic for Hereditary spastic paraplegia 15. Last evaluated: 2022-03-15. Review status: criteria provided, single submitter. Criteria: Myriad Women's Health Autosomal Recessive and X-Linked Classification Criteria (2021). Collection method: clinical testing. Allele origin: unknown.
Comment: NM_015346.3(ZFYVE26):c.1879_1880delGA(E627Kfs*35) is expected to be pathogenic in the context of spastic paraplegia type 15. This variant is predicted to lead to an abnormal or absent protein product due to the creation of a premature termination codon in ZFYVE26, a gene where loss-of-function variants are known to be pathogenic. Please note: this variant was assessed in the context of healthy population screening.